The following is an entry in ClinVar:

NM_182641.4(BPTF):c.7081_7084dup (p.Gly2362fs)

Gene: BPTF (bromodomain PHD finger transcription factor; plus strand). Cytogenetic location: 17q24.2.
Variant type: Duplication.
Coding change: c.7081_7084dup on transcript NM_182641.4 (MANE Select); coding-DNA positions 7081 to 7084, 4 bases duplicated (CCTG; older notation c.7081_7084dupCCTG).
Protein change: p.Gly2362fs; shifts the reading frame from glycine 2362.
Molecular consequence: frameshift variant.
Genome position (GRCh38, 1-based): chr17:67,945,789-67,945,792, CCTG duplicated. VCF-style (leftmost placement, unchanged base first): chr17-67945788-T-TCCTG. GRCh37 (hg19) VCF-style: chr17-65941904-T-TCCTG.
Other names: c.7270_7273dup, p.Gly2425fs (NM_001439139.1, NM_001439143.1, NM_001439144.1); c.7459_7462dup, p.Gly2488fs (NM_001439140.1, NM_001439142.1, NM_004459.7); c.7432_7435dup, p.Gly2479fs (NM_001439141.1); short protein forms G2362fs, G2425fs, G2479fs, G2488fs.
Identifiers: ClinVar variation 4855631 (VCV004855631.1).
Genomic context (GRCh38, chr17:67,945,788, plus strand): 5'-TGTTCGTGTCCAAAGTCCATCACAGACTCGAATACGTCCATCAACTCCATCCCAACTGTC[T>TCCTG]CCTGGACAACAATCCCAGGTTCAGACTACAACCTCACAACCGATTCCAATTCAACCACAT-3'

ClinVar aggregate classification (germline): Likely pathogenic (1 of 4 stars; one submission).

Conditions:
Neurodevelopmental disorder with dysmorphic facies and distal limb anomalies. Identifiers: Orphanet 686482, MedGen C4540327, MONDO:0060596, OMIM 617755.

Submission:

3billion
Classification: Likely pathogenic for Neurodevelopmental disorder with dysmorphic facies and distal limb anomalies. Last evaluated: 2025-10-29. Review status: criteria provided, single submitter. Criteria: ACMG Guidelines, 2015. Collection method: clinical testing. Allele origin: germline. Affected: yes.
Comment: The variant is not observed in the gnomAD v4.1.0 dataset. Predicted Consequence/Location: Frameshift: predicted to result in a loss or disruption of normal protein function through nonsense-mediated decay (NMD) or protein truncation. Multiple pathogenic variants are reported downstream of the variant. Therefore, this variant is classified as Likely pathogenic according to the recommendation of ACMG/AMP guideline.